The following is an entry in ClinVar:

ClinVar aggregate classification (germline): Benign/Likely benign. Review status: criteria provided, multiple submitters, no conflicts (2 of 4 stars). 2 submissions from 2 submitters: Benign (1); Likely benign (1). Last evaluated 2026-07-08.

Conditions:
Rhabdoid tumor predisposition syndrome 2 (RTPS2). Identifiers: Orphanet 231108, Orphanet 69077, MedGen C2750074, MONDO:0013224, OMIM 613325.

Submissions (2):

Myriad Genetics, Inc.
Classification: Benign for Rhabdoid tumor predisposition syndrome 2. Last evaluated: 2026-07-08. Review status: criteria provided, single submitter. Criteria: Myriad Autosomal Dominant, Autosomal Recessive and X-Linked Classification Criteria (2023). Collection method: clinical testing. Allele origin: unknown.
Comment: This variant is considered benign. This variant is a silent/synonymous amino acid change and it is not expected to impact splicing.

Labcorp Genetics (formerly Invitae), Labcorp
Classification: Likely benign for Rhabdoid tumor predisposition syndrome 2. Last evaluated: 2022-03-02. Review status: criteria provided, single submitter. Criteria: Invitae Variant Classification Sherloc (09022015). Collection method: clinical testing. Allele origin: germline.

NM_003072.5(SMARCA4):c.267C>A (p.Arg89=)

Gene: SMARCA4 (SWI/SNF related BAF chromatin remodeling complex subunit ATPase 4; plus strand). Cytogenetic location: 19p13.2.
Variant type: single nucleotide variant.
Coding change: c.267C>A on transcript NM_003072.5 (MANE Select); coding-DNA position 267, C replaced by A.
Protein change: p.Arg89=; no amino-acid change (arginine 89 retained).
Molecular consequence: synonymous variant. On other transcripts: non-coding transcript variant (1).
Genome position (GRCh38, 1-based): chr19:10,985,317, C>A. VCF-style: chr19-10985317-C-A. GRCh37 (hg19) VCF-style: chr19-11095993-C-A.
Other names: c.267C>A, p.Arg89= (NM_001128844.3, NM_001128845.2, NM_001128846.2 and 6 more transcripts).
Identifiers: ClinVar variation 2105744 (VCV002105744.5), dbSNP rs551739868, ClinGen allele CA505487782.
Genomic context (GRCh38, chr19:10,985,317, plus strand): 5'-ATGGTCCCTCTCGCAGCCCATGGAGTCCATGCATGAGAAGGGCATGTCGGACGACCCGCG[C>A]TACAACCAGATGAAAGGAATGGGGATGCGGTCAGGGGGCCATGCTGGGATGGGGCCCCCG-3'
Protein context (NP_003063.2, residues 79-99): MHEKGMSDDP[Arg89=]YNQMKGMGMR